The following is an entry in ClinVar:

ClinVar aggregate classification (germline): Uncertain significance. Review status: criteria provided, multiple submitters, no conflicts (2 of 4 stars). 2 submissions from 2 submitters: Uncertain significance (2). Last evaluated 2025-04-30.

Conditions:
Inborn genetic diseases. Identifiers: MedGen C0950123, MeSH D030342.

Submissions (2):

Labcorp Genetics (formerly Invitae), Labcorp
Classification: Uncertain significance. Last evaluated: 2025-04-30. Review status: criteria provided, single submitter. Criteria: Invitae Variant Classification Sherloc (09022015). Collection method: clinical testing. Allele origin: germline.
Comment: This sequence change replaces tryptophan, which is neutral and slightly polar, with arginine, which is basic and polar, at codon 458 of the DGAT1 protein (p.Trp458Arg). This variant is not present in population databases (gnomAD no frequency). This variant has not been reported in the literature in individuals affected with DGAT1-related conditions. ClinVar contains an entry for this variant (Variation ID: 3501246). Invitae Evidence Modeling of protein sequence and biophysical properties (such as structural, functional, and spatial information, amino acid conservation, physicochemical variation, residue mobility, and thermodynamic stability) indicates that this missense variant is expected to disrupt DGAT1 protein function with a positive predictive value of 80%. In summary, the available evidence is currently insufficient to determine the role of this variant in disease. Therefore, it has been classified as a Variant of Uncertain Significance.

Ambry Genetics
Classification: Uncertain significance for Inborn genetic diseases. Last evaluated: 2024-10-01. Review status: criteria provided, single submitter. Criteria: Ambry Variant Classification Scheme 2023. Collection method: clinical testing. Allele origin: germline.

NM_012079.6(DGAT1):c.1372T>C (p.Trp458Arg)

Gene: DGAT1 (diacylglycerol O-acyltransferase 1; minus strand). Cytogenetic location: 8q24.3.
Variant type: single nucleotide variant.
Coding change: c.1372T>C on transcript NM_012079.6 (MANE Select); coding-DNA position 1372, T replaced by C.
Protein change: p.Trp458Arg; replaces tryptophan 458 with arginine.
Molecular consequence: missense variant.
Genome position (GRCh38, 1-based): chr8:144,316,649, A>G on the plus strand (T>C on the coding strand, the complement: DGAT1 is on the minus strand). VCF-style: chr8-144316649-A-G. GRCh37 (hg19) VCF-style: chr8-145540312-A-G.
Other names: short protein forms W458R.
Identifiers: ClinVar variation 3501246 (VCV003501246.2).